The following is an entry in ClinVar:

NM_001122769.3(LCA5):c.1055T>C (p.Met352Thr)

Gene: LCA5 (lebercilin LCA5; minus strand). Cytogenetic location: 6q14.1.
Variant type: single nucleotide variant.
Coding change: c.1055T>C on transcript NM_001122769.3 (MANE Select); coding-DNA position 1055, T replaced by C.
Protein change: p.Met352Thr; replaces methionine 352 with threonine.
Molecular consequence: missense variant.
Genome position (GRCh38, 1-based): chr6:79,491,631, A>G on the plus strand (T>C on the coding strand, the complement: LCA5 is on the minus strand). VCF-style: chr6-79491631-A-G. GRCh37 (hg19) VCF-style: chr6-80201348-A-G.
Other names: c.1055T>C, p.Met352Thr (NM_181714.4); short protein forms M352T.
Identifiers: ClinVar variation 1043380 (VCV001043380.7), dbSNP rs1161878963, ClinGen allele CA364643779.

ClinVar aggregate classification (germline): Uncertain significance. Review status: criteria provided, single submitter (1 of 4 stars). 2 submissions from 2 submitters: Uncertain significance (1). 1 of the submissions does not count toward it. Last evaluated 2021-09-01.

Conditions:
Leber congenital amaurosis 5 (LCA5). Also called: Amaurosis congenita of Leber, type 5. Identifiers: Orphanet 65, MedGen C1858301, MONDO:0011473, OMIM 604537.

Allele frequency attached by ClinVar (database versions not stated): gnomAD exomes below 0.00001 and 0.00001; TOPMed 0.00003; gnomAD 0.00005.
gnomAD v4.1: 17 of 1,613,170 alleles (0.0011%); highest among the groups gnomAD compares: African/African-American, 0.016%; no homozygotes.

Submissions (2):

Labcorp Genetics (formerly Invitae), Labcorp
Classification: Uncertain significance. Last evaluated: 2021-09-01. Review status: criteria provided, single submitter. Criteria: Invitae Variant Classification Sherloc (09022015). Collection method: clinical testing. Allele origin: germline.
Comment: This sequence change replaces methionine with threonine at codon 352 of the LCA5 protein (p.Met352Thr). The methionine residue is moderately conserved and there is a moderate physicochemical difference between methionine and threonine. This variant is not present in population databases (ExAC no frequency). This variant has not been reported in the literature in individuals affected with LCA5-related conditions. Algorithms developed to predict the effect of missense changes on protein structure and function output the following: SIFT: "Deleterious"; PolyPhen-2: "Benign"; Align-GVGD: "Class C0". The threonine amino acid residue is found in multiple mammalian species, which suggests that this missense change does not adversely affect protein function. In summary, the available evidence is currently insufficient to determine the role of this variant in disease. Therefore, it has been classified as a Variant of Uncertain Significance.

Natera, Inc.
Classification: Uncertain significance for Leber congenital amaurosis type 5. Last evaluated: 2020-02-13. Review status: no assertion criteria provided. Collection method: clinical testing. Allele origin: germline. Not counted in ClinVar's aggregate classification.